The following is an entry in ClinVar:

ClinVar aggregate classification (germline): Likely benign (1 of 4 stars; one submission).

Submission:

GeneDx
Classification: Likely benign. Last evaluated: 2023-02-23. Review status: criteria provided, single submitter. Criteria: GeneDx Variant Classification Process June 2021. Collection method: clinical testing. Allele origin: germline. Affected: yes.
Comment: Not observed at significant frequency in large population cohorts (gnomAD); In silico analysis supports that this missense variant does not alter protein structure/function; Has not been previously published as pathogenic or benign to our knowledge

NM_014271.4(IL1RAPL1):c.916C>T (p.Leu306Phe)

Gene: IL1RAPL1 (interleukin 1 receptor accessory protein like 1; plus strand). Cytogenetic location: Xp21.2.
Variant type: single nucleotide variant.
Coding change: c.916C>T on transcript NM_014271.4 (MANE Select); coding-DNA position 916, C replaced by T.
Protein change: p.Leu306Phe; replaces leucine 306 with phenylalanine.
Molecular consequence: missense variant.
Genome position (GRCh38, 1-based): chrX:29,919,953, C>T. VCF-style: chrX-29919953-C-T. GRCh37 (hg19) VCF-style: chrX-29938070-C-T.
Other names: short protein forms L306F.
Identifiers: ClinVar variation 1693055 (VCV001693055.2), dbSNP rs2147239797, ClinGen allele CA412636069.